The following is an entry in ClinVar:

NM_003480.4(MFAP5):c.422G>T (p.Arg141Leu)

Genes: MFAP5 (microfibril associated protein 5; minus strand), LOC126861443 (BRD4-independent group 4 enhancer GRCh37_chr12:8800473-8801672; plus strand). Cytogenetic location: 12p13.31.
Variant type: single nucleotide variant.
Coding change: c.422G>T on transcript NM_003480.4 (MANE Select); coding-DNA position 422, G replaced by T.
Protein change: p.Arg141Leu; replaces arginine 141 with leucine.
Molecular consequence: missense variant. On other transcripts: non-coding transcript variant (2).
Genome position (GRCh38, 1-based): chr12:8,648,191, C>A on the plus strand (G>T on the coding strand, the complement: MFAP5 is on the minus strand). VCF-style: chr12-8648191-C-A. GRCh37 (hg19) VCF-style: chr12-8800787-C-A.
Other names: c.392G>T, p.Arg131Leu (NM_001297709.2); c.356G>T, p.Arg119Leu (NM_001297710.2); c.347G>T, p.Arg116Leu (NM_001297711.2); c.230G>T, p.Arg77Leu (NM_001297712.2); short protein forms R119L, R131L, R77L, R116L, R141L.
Identifiers: ClinVar variation 1738891 (VCV001738891.4), dbSNP rs767319138, ClinGen allele CA384038777.

ClinVar aggregate classification (germline): Uncertain significance (1 of 4 stars; one submission).

Conditions:
Cardiovascular phenotype. Identifiers: MedGen CN230736.

gnomAD v4.1: 4 of 1,612,760 alleles (0.00025%); highest among the groups gnomAD compares: African/African-American, 0.004%; no homozygotes.

Submission:

Ambry Genetics
Classification: Uncertain significance for Cardiovascular phenotype. Last evaluated: 2025-11-22. Review status: criteria provided, single submitter. Criteria: Ambry Variant Classification Scheme 2023. Collection method: clinical testing. Allele origin: germline.
Comment: The p.R141L variant (also known as c.422G>T), located in coding exon 9 of the MFAP5 gene, results from a G to T substitution at nucleotide position 422. The arginine at codon 141 is replaced by leucine, an amino acid with dissimilar properties. This amino acid position is conserved. In addition, this alteration is predicted to be deleterious by in silico analysis. Since supporting evidence is limited at this time, the clinical significance of this alteration remains unclear.